The following is an entry in ClinVar:

ClinVar aggregate classification (germline): Uncertain significance (1 of 4 stars; one submission).

Conditions:
Hereditary cancer-predisposing syndrome. Also called: Neoplastic Syndromes, Hereditary; Tumor predisposition; Hereditary Cancer Syndrome; Hereditary neoplastic syndrome. Identifiers: Orphanet 140162, MedGen C0027672, MeSH D009386, MONDO:0015356.

Submission:

Ambry Genetics
Classification: Uncertain significance for Hereditary cancer-predisposing syndrome. Last evaluated: 2022-03-18. Review status: criteria provided, single submitter. Criteria: Ambry Variant Classification Scheme 2023. Collection method: clinical testing. Allele origin: germline.
Comment: The p.L213V variant (also known as c.637C>G), located in coding exon 5 of the CDK4 gene, results from a C to G substitution at nucleotide position 637. The leucine at codon 213 is replaced by valine, an amino acid with highly similar properties. This amino acid position is highly conserved in available vertebrate species. In addition, the in silico prediction for this alteration is inconclusive. Since supporting evidence is limited at this time, the clinical significance of this alteration remains unclear.

NM_000075.4(CDK4):c.637C>G (p.Leu213Val)

Genes: TSPAN31 (tetraspanin 31; plus strand), CDK4 (cyclin dependent kinase 4; minus strand). Cytogenetic location: 12q14.1.
Variant type: single nucleotide variant.
Coding change: c.637C>G on transcript NM_000075.4 (MANE Select); coding-DNA position 637, C replaced by G.
Protein change: p.Leu213Val; replaces leucine 213 with valine.
Molecular consequence: missense variant. On other transcripts: 3 prime UTR variant (3).
Genome position (GRCh38, 1-based): chr12:57,749,500, G>C on the plus strand (C>G on the coding strand, the complement: CDK4 is on the minus strand). VCF-style: chr12-57749500-G-C. GRCh37 (hg19) VCF-style: chr12-58143283-G-C.
Other names: c.*2210G>C (NM_001330168.2, NM_001330169.2, NM_005981.5); short protein forms L213V.
Identifiers: ClinVar variation 1753156 (VCV001753156.2), dbSNP rs2140383972, ClinGen allele CA385544299.